The following is an entry in ClinVar:

ClinVar aggregate classification (germline): Uncertain significance (1 of 4 stars; one submission).

Submission:

Women's Health and Genetics/Laboratory Corporation of America, LabCorp
Classification: Uncertain significance. Last evaluated: 2022-04-20. Review status: criteria provided, single submitter. Criteria: LabCorp Variant Classification Summary - May 2015. Collection method: clinical testing. Allele origin: germline.
Comment: Variant summary: GRIN1 c.1036C>T (p.Arg346Trp) results in a non-conservative amino acid change located in the Receptor, ligand binding region domain (IPR001828) of the encoded protein sequence. Four of five in-silico tools predict a damaging effect of the variant on protein function. The variant was absent in 250872 control chromosomes. The available data on variant occurrences in the general population are insufficient to allow any conclusion about variant significance. To our knowledge, no occurrence of c.1036C>T in individuals affected with Neurodevelopmental Disorder With Or Without Hyperkinetic Movements And Seizures, Autosomal Dominant and no experimental evidence demonstrating its impact on protein function have been reported. No clinical diagnostic laboratories have submitted clinical-significance assessments for this variant to ClinVar after 2014. Based on the evidence outlined above, the variant was classified as uncertain significance.

NM_007327.4(GRIN1):c.1036C>T (p.Arg346Trp)

Gene: GRIN1 (glutamate ionotropic receptor NMDA type subunit 1; plus strand). Cytogenetic location: 9q34.3.
Variant type: single nucleotide variant.
Coding change: c.1036C>T on transcript NM_007327.4 (MANE Select); coding-DNA position 1036, C replaced by T.
Protein change: p.Arg346Trp; replaces arginine 346 with tryptophan.
Molecular consequence: missense variant.
Genome position (GRCh38, 1-based): chr9:137,158,446, C>T. VCF-style: chr9-137158446-C-T. GRCh37 (hg19) VCF-style: chr9-140052898-C-T.
Other names: c.1036C>T, p.Arg346Trp (NM_000832.7, NM_021569.4); c.1099C>T, p.Arg367Trp (NM_001185090.2, NM_001185091.2); short protein forms R346W, R367W.
Identifiers: ClinVar variation 1683336 (VCV001683336.1), dbSNP rs1833355927, ClinGen allele CA375715435.
Genomic context (GRCh38, chr9:137,158,446, plus strand): 5'-ATGTCTTCCAAGTATGCGGATGGGGTGACTGGTCGCGTGGAGTTCAATGAGGATGGGGAC[C>T]GGAAGTTCGCCAACTACAGCATCATGAACCTGCAGAACCGCAAGCTGGTGCAAGTGGGCA-3'
Protein context (NP_015566.1, residues 336-356): GRVEFNEDGD[Arg346Trp]KFANYSIMNL